The following is an entry in ClinVar:

NM_005006.7(NDUFS1):c.*341A>G

Gene: NDUFS1 (NADH:ubiquinone oxidoreductase core subunit S1; minus strand). Cytogenetic location: 2q33.3.
Variant type: single nucleotide variant.
Coding change: c.*341A>G on transcript NM_005006.7 (MANE Select); 341 bases downstream of the stop codon, A replaced by G.
Molecular consequence: 3 prime UTR variant.
Genome position (GRCh38, 1-based): chr2:206,123,844, T>C on the plus strand (A>G on the coding strand, the complement: NDUFS1 is on the minus strand). VCF-style: chr2-206123844-T-C. GRCh37 (hg19) VCF-style: chr2-206988568-T-C.
Other names: c.*341A>G (NM_001199981.2, NM_001199982.2, NM_001199983.2 and 1 more transcripts).
Identifiers: ClinVar variation 897792 (VCV000897792.5), dbSNP rs150214409, ClinGen allele CA63645950.

ClinVar aggregate classification (germline): Conflicting classifications of pathogenicity. Review status: criteria provided, conflicting classifications (1 of 4 stars). 3 submissions from 2 submitters: Uncertain significance (1); Likely benign (2). Last evaluated 2021-05-29.

Conditions:
Mitochondrial complex I deficiency, nuclear type 1. Also called: NADH-COENZYME Q REDUCTASE DEFICIENCY; MITOCHONDRIAL NADH DEHYDROGENASE COMPONENT OF COMPLEX I, DEFICIENCY OF. Identifiers: MedGen C6022305, MONDO:0100224, OMIM 252010.
Leigh syndrome (NULS). Also called: Leigh Disease; Subacute necrotizing encephalopathy; Leigh Syndrome (mtDNA deletion); Leigh's syndrome; Leigh's necrotizing encephalopathy; Leigh's disease. Identifiers: Orphanet 506, MedGen C2931891, MONDO:0009723, OMIM 256000.

Allele frequency attached by ClinVar (database versions not stated): gnomAD exomes 0.00063; gnomAD 0.00429 and 0.00460; 1000 Genomes Project 30x 0.00437; TOPMed 0.00495; 1000 Genomes Project 0.00499.
gnomAD v4.1: 685 of 203,412 alleles (0.34%); highest among the groups gnomAD compares: African/African-American, 1.4%; 4 homozygotes.

Submissions (3):

GeneDx
Classification: Likely benign. Last evaluated: 2021-05-29. Review status: criteria provided, single submitter. Criteria: GeneDx Variant Classification Process June 2021. Collection method: clinical testing. Allele origin: germline. Affected: yes.

Illumina Laboratory Services, Illumina
Classification: Uncertain significance for Mitochondrial complex I deficiency, nuclear type 1. Last evaluated: 2018-01-13. Review status: criteria provided, single submitter. Criteria: ICSL Variant Classification Criteria 13 December 2019. Collection method: clinical testing. Allele origin: germline.

Illumina Laboratory Services, Illumina
Classification: Likely benign for Leigh syndrome. Last evaluated: 2018-01-13. Review status: criteria provided, single submitter. Criteria: ICSL Variant Classification Criteria 13 December 2019. Collection method: clinical testing. Allele origin: germline.
Comment: This variant was observed in the ICSL laboratory as part of a predisposition screen in an ostensibly healthy population. It had not been previously curated by ICSL or reported in the Human Gene Mutation Database (HGMD: prior to June 1st, 2018), and was therefore a candidate for classification through an automated scoring system. Utilizing variant allele frequency, disease prevalence and penetrance estimates, and inheritance mode, an automated score was calculated to assess if this variant is too frequent to cause the disease. Based on the score and internal cut-off values, a variant classified as likely benign is not then subjected to further curation. The score for this variant resulted in a classification of likely benign for this disease.